The following is an entry in ClinVar:

ClinVar aggregate classification (germline): Likely benign. Review status: criteria provided, multiple submitters, no conflicts (2 of 4 stars). 3 submissions from 3 submitters: Likely benign (3). Last evaluated 2025-07-17.

Conditions:
PGM1-congenital disorder of glycosylation. Also called: Congenital disorder of glycosylation type 1t; CDG It; PHOSPHOGLUCOMUTASE 1 DEFICIENCY; PGM1 DEFICIENCY; GLYCOGEN STORAGE DISEASE XIV; GSD XIV. Identifiers: Orphanet 319646, MedGen C2752015, MONDO:0013968, OMIM 614921.
PGM1-related disorder. Also called: PGM1-related disorders; PGM1-related condition.

Allele frequency attached by ClinVar (database versions not stated): TOPMed 0.00002; ESP Exome Variant Server 0.00015.
gnomAD v4.1: 70 of 1,613,966 alleles (0.0043%); highest among the groups gnomAD compares: Non-Finnish European, 0.0058%; no homozygotes.

Submissions (3):

PreventionGenetics, part of Exact Sciences
Classification: Likely benign for PGM1-related condition. Last evaluated: 2025-07-17. Review status: criteria provided, single submitter. Criteria: ACMG Guidelines, 2015. Collection method: clinical testing. Allele origin: germline.
Comment: This variant is classified as likely benign based on ACMG/AMP sequence variant interpretation guidelines (Richards et al. 2015 PMID: 25741868, with internal and published modifications).

Labcorp Genetics (formerly Invitae), Labcorp
Classification: Likely benign for PGM1-congenital disorder of glycosylation. Last evaluated: 2025-06-30. Review status: criteria provided, single submitter. Criteria: Invitae Variant Classification Sherloc (09022015). Collection method: clinical testing. Allele origin: germline.

CeGaT Center for Human Genetics Tuebingen
Classification: Likely benign. Last evaluated: 2022-03-01. Review status: criteria provided, single submitter. Criteria: CeGaT Center For Human Genetics Tuebingen Variant Classification Criteria Version 2. Collection method: clinical testing. Allele origin: germline. Affected: yes. Observed: 1 variant allele.
Comment: PGM1: BP4, BP7

NM_002633.3(PGM1):c.414T>G (p.Pro138=)

Gene: PGM1 (phosphoglucomutase 1; plus strand). Cytogenetic location: 1p31.3.
Variant type: single nucleotide variant.
Coding change: c.414T>G on transcript NM_002633.3 (MANE Select); coding-DNA position 414, T replaced by G.
Protein change: p.Pro138=; no amino-acid change (proline 138 retained).
Molecular consequence: synonymous variant. On other transcripts: 5 prime UTR variant (1).
Genome position (GRCh38, 1-based): chr1:63,629,946, T>G. VCF-style: chr1-63629946-T-G. GRCh37 (hg19) VCF-style: chr1-64095617-T-G.
Other names: c.468T>G, p.Pro156= (NM_001172818.1); c.-178T>G (NM_001172819.2); c.414T>G (NM_002633.2).
Identifiers: ClinVar variation 2073951 (VCV002073951.29), dbSNP rs376259690, ClinGen allele CA889540.